The following is an entry in ClinVar:

ClinVar aggregate classification (germline): Uncertain significance (1 of 4 stars; one submission).

Conditions:
Pulmonary hypertension, primary, 4. Identifiers: Orphanet 422, MedGen C3809198, MONDO:0014136, OMIM 615344.

gnomAD v4.1: 24 of 1,597,930 alleles (0.0015%); highest among the groups gnomAD compares: Middle Eastern, 0.017%; no homozygotes.

Submission:

Labcorp Genetics (formerly Invitae), Labcorp
Classification: Uncertain significance for Pulmonary hypertension, primary, 4. Last evaluated: 2026-01-26. Review status: criteria provided, single submitter. Criteria: Invitae Variant Classification Sherloc (09022015). Collection method: clinical testing. Allele origin: germline.
Comment: This sequence change affects codon 340 of the KCNK3 mRNA. It is a 'silent' change, meaning that it does not change the encoded amino acid sequence of the KCNK3 protein. The frequency data for this variant in the population databases is considered unreliable, as metrics indicate poor data quality at this position in the gnomAD database. This variant has not been reported in the literature in individuals affected with KCNK3-related conditions. Algorithms developed to predict the effect of sequence changes on RNA splicing suggest that this variant may create or strengthen a splice site. In summary, the available evidence is currently insufficient to determine the role of this variant in disease. Therefore, it has been classified as a Variant of Uncertain Significance.

NM_002246.3(KCNK3):c.1020G>A (p.Val340=)

Gene: KCNK3 (potassium two pore domain channel subfamily K member 3; plus strand). Cytogenetic location: 2p23.3.
Variant type: single nucleotide variant.
Coding change: c.1020G>A on transcript NM_002246.3 (MANE Select); coding-DNA position 1020, G replaced by A.
Protein change: p.Val340=; no amino-acid change (valine 340 retained).
Molecular consequence: synonymous variant.
Genome position (GRCh38, 1-based): chr2:26,728,403, G>A. VCF-style: chr2-26728403-G-A. GRCh37 (hg19) VCF-style: chr2-26951271-G-A.
Identifiers: ClinVar variation 4742524 (VCV004742524.1).